The following is an entry in ClinVar:

ClinVar aggregate classification (germline): Pathogenic/Likely pathogenic. Review status: criteria provided, multiple submitters, no conflicts (2 of 4 stars). 2 submissions from 2 submitters: Pathogenic (1); Likely pathogenic (1). Last evaluated 2025-05-17.

Submissions (2):

Labcorp Genetics (formerly Invitae), Labcorp
Classification: Pathogenic. Last evaluated: 2025-05-17. Review status: criteria provided, single submitter. Criteria: Invitae Variant Classification Sherloc (09022015). Collection method: clinical testing. Allele origin: germline.
Comment: This sequence change creates a premature translational stop signal (p.Trp374*) in the WHRN gene. It is expected to result in an absent or disrupted protein product. Loss-of-function variants in WHRN are known to be pathogenic (PMID: 12833159, 15841483, 22147658). This variant is present in population databases (rs771447463, gnomAD 0.006%). This variant has not been reported in the literature in individuals affected with WHRN-related conditions. ClinVar contains an entry for this variant (Variation ID: 3390625). For these reasons, this variant has been classified as Pathogenic.

GeneDx
Classification: Likely pathogenic. Last evaluated: 2024-06-15. Review status: criteria provided, single submitter. Criteria: GeneDx Variant Classification Process June 2021. Collection method: clinical testing. Allele origin: germline. Affected: yes.
Comment: Nonsense variant predicted to result in protein truncation or nonsense mediated decay in a gene for which loss of function is a known mechanism of disease; Not observed at significant frequency in large population cohorts (gnomAD); Reported in a database of sequence variants associated with autosomal recessive inherited retinal diseases but additional evidence is not available (PMID: 31964843); This variant is associated with the following publications: (PMID: 31964843)

Literature cited by the submitters: PubMed 12833159 (cited by Labcorp Genetics (formerly Invitae), Labcorp); PubMed 15841483 (cited by Labcorp Genetics (formerly Invitae), Labcorp); PubMed 22147658 (cited by Labcorp Genetics (formerly Invitae), Labcorp).

NM_015404.4(WHRN):c.1122G>A (p.Trp374Ter)

Gene: WHRN (whirlin; minus strand). Cytogenetic location: 9q32.
Variant type: single nucleotide variant.
Coding change: c.1122G>A on transcript NM_015404.4 (MANE Select); coding-DNA position 1122, G replaced by A.
Protein change: p.Trp374Ter; replaces tryptophan 374 with a stop codon.
Molecular consequence: nonsense. On other transcripts: 5 prime UTR variant (1).
Genome position (GRCh38, 1-based): chr9:114,426,255, C>T on the plus strand (G>A on the coding strand, the complement: WHRN is on the minus strand). VCF-style: chr9-114426255-C-T. GRCh37 (hg19) VCF-style: chr9-117188535-C-T.
Other names: c.-28G>A (NM_001083885.3); c.1122G>A, p.Trp374Ter (NM_001173425.2); short protein forms W374*.
Identifiers: ClinVar variation 3390625 (VCV003390625.2).